The following is an entry in ClinVar:

NM_001273.5(CHD4):c.2618A>T (p.Asp873Val)

Gene: CHD4 (chromodomain helicase DNA binding protein 4; minus strand). Cytogenetic location: 12p13.31.
Variant type: single nucleotide variant.
Coding change: c.2618A>T on transcript NM_001273.5 (MANE Select); coding-DNA position 2618, A replaced by T.
Protein change: p.Asp873Val; replaces aspartic acid 873 with valine.
Molecular consequence: missense variant.
Genome position (GRCh38, 1-based): chr12:6,593,125, T>A on the plus strand (A>T on the coding strand, the complement: CHD4 is on the minus strand). VCF-style: chr12-6593125-T-A. GRCh37 (hg19) VCF-style: chr12-6702291-T-A.
Other names: c.2597A>T, p.Asp866Val (NM_001297553.2); c.2579A>T, p.Asp860Val (NM_001363606.2); short protein forms D860V, D866V, D873V.
Identifiers: ClinVar variation 3366124 (VCV003366124.1).
Genomic context (GRCh38, chr12:6,593,125, plus strand): 5'-TCCAACATCCCTCCCTCAGCCCTCACCTTAGACTGATTGTTCTTCAGCCGATGGGCTTCA[T>A]CCACGATGAGGCAGGCCCAATCAATAGAGCCCAAAATAGCCATGTCAATGGTGATCAATT-3'
Protein context (NP_001264.2, residues 863-883): GSIDWACLIV[Asp873Val]EAHRLKNNQS

ClinVar aggregate classification (germline): Uncertain significance (1 of 4 stars; one submission).

Submission:

GeneDx
Classification: Uncertain significance. Last evaluated: 2023-10-19. Review status: criteria provided, single submitter. Criteria: GeneDx Variant Classification Process June 2021. Collection method: clinical testing. Allele origin: germline. Affected: yes.
Comment: Not observed at significant frequency in large population cohorts (gnomAD); In silico analysis supports that this missense variant has a deleterious effect on protein structure/function; Has not been previously published as pathogenic or benign to our knowledge